The following is an entry in ClinVar:

NM_020937.4(FANCM):c.590A>T (p.Asp197Val)

Gene: FANCM (FA complementation group M; plus strand). Cytogenetic location: 14q21.2.
Variant type: single nucleotide variant.
Coding change: c.590A>T on transcript NM_020937.4 (MANE Select); coding-DNA position 590, A replaced by T.
Protein change: p.Asp197Val; replaces aspartic acid 197 with valine.
Molecular consequence: missense variant.
Genome position (GRCh38, 1-based): chr14:45,137,150, A>T. VCF-style: chr14-45137150-A-T. GRCh37 (hg19) VCF-style: chr14-45606353-A-T.
Other names: c.590A>T, p.Asp197Val (NM_001308133.2, NM_001308134.2); short protein forms D197V.
Identifiers: ClinVar variation 4022885 (VCV004022885.1).

ClinVar aggregate classification (germline): Uncertain significance (1 of 4 stars; one submission).

Conditions:
Inborn genetic diseases. Identifiers: MedGen C0950123, MeSH D030342.

Submission:

Ambry Genetics
Classification: Uncertain significance for Inborn genetic diseases. Last evaluated: 2025-06-14. Review status: criteria provided, single submitter. Criteria: Ambry Variant Classification Scheme 2023. Collection method: clinical testing. Allele origin: germline.
Comment: The p.D197V variant (also known as c.590A>T), located in coding exon 2 of the FANCM gene, results from an A to T substitution at nucleotide position 590. The aspartic acid at codon 197 is replaced by valine, an amino acid with highly dissimilar properties. This amino acid position is conserved. In addition, the in silico prediction for this alteration is inconclusive. Based on the available evidence, the clinical significance of this variant remains unclear.